The following is an entry in ClinVar:

NM_000038.6(APC):c.2814T>C (p.Thr938=)

Gene: APC (APC regulator of Wnt signaling pathway; plus strand). Cytogenetic location: 5q22.2.
Variant type: single nucleotide variant.
Coding change: c.2814T>C on transcript NM_000038.6 (MANE Select); coding-DNA position 2814, T replaced by C.
Protein change: p.Thr938=; no amino-acid change (threonine 938 retained).
Molecular consequence: synonymous variant.
Genome position (GRCh38, 1-based): chr5:112,838,408, T>C. VCF-style: chr5-112838408-T-C. GRCh37 (hg19) VCF-style: chr5-112174105-T-C.
Other names: c.2814T>C, p.Thr938= (NM_001127510.3, NM_001354895.2); c.2760T>C, p.Thr920= (NM_001127511.3); c.2868T>C, p.Thr956= (NM_001354896.2); c.2844T>C, p.Thr948= (NM_001354897.2); c.2739T>C, p.Thr913= (NM_001354898.2); c.2730T>C, p.Thr910= (NM_001354899.2); c.2691T>C, p.Thr897= (NM_001354900.2); c.2637T>C, p.Thr879= (NM_001354901.2); and 5 more.
Identifiers: ClinVar variation 485121 (VCV000485121.15), dbSNP rs1554084501, ClinGen allele CA445962913.

ClinVar aggregate classification (germline): Benign/Likely benign. Review status: criteria provided, multiple submitters, no conflicts (2 of 4 stars). 3 submissions from 3 submitters: Benign (1); Likely benign (2). Last evaluated 2024-03-15.

Conditions:
Familial adenomatous polyposis 1 (FAP1). Also called: FAMILIAL ADENOMATOUS POLYPOSIS 1, ATTENUATED; POLYPOSIS, ADENOMATOUS INTESTINAL. Identifiers: MedGen C2713442, MONDO:0021056, OMIM 175100. Disease mechanism: loss of function.
Hereditary cancer-predisposing syndrome. Also called: Neoplastic Syndromes, Hereditary; Tumor predisposition; Hereditary Cancer Syndrome; Hereditary neoplastic syndrome. Identifiers: Orphanet 140162, MedGen C0027672, MeSH D009386, MONDO:0015356.

Allele frequency attached by ClinVar (database versions not stated): gnomAD exomes below 0.00001.
gnomAD v4.1: 2 of 1,614,188 alleles (0.00012%); highest among the groups gnomAD compares: Non-Finnish European, 0.00017%; no homozygotes.

Submissions (3):

Myriad Genetics, Inc.
Classification: Benign for Familial adenomatous polyposis 1. Last evaluated: 2024-03-15. Review status: criteria provided, single submitter. Criteria: Myriad Autosomal Dominant, Autosomal Recessive and X-Linked Classification Criteria (2023). Collection method: clinical testing. Allele origin: unknown.
Comment: This variant is considered benign. This variant is a silent/synonymous amino acid change and it is not expected to impact splicing.

Labcorp Genetics (formerly Invitae), Labcorp
Classification: Likely benign for Familial adenomatous polyposis 1. Last evaluated: 2023-11-14. Review status: criteria provided, single submitter. Criteria: Invitae Variant Classification Sherloc (09022015). Collection method: clinical testing. Allele origin: germline.

Ambry Genetics
Classification: Likely benign for Hereditary cancer-predisposing syndrome. Last evaluated: 2016-04-13. Review status: criteria provided, single submitter. Criteria: Ambry Variant Classification Scheme 2023. Collection method: clinical testing. Allele origin: germline.